The following is an entry in ClinVar:

ClinVar aggregate classification (germline): Uncertain significance. Review status: criteria provided, multiple submitters, no conflicts (2 of 4 stars). 2 submissions from 2 submitters: Uncertain significance (2). Last evaluated 2025-08-04.

Conditions:
Inborn genetic diseases. Identifiers: MedGen C0950123, MeSH D030342.
Deficiency of ferroxidase (ACEP). Also called: NEURODEGENERATION WITH BRAIN IRON ACCUMULATION 10; Ceruloplasmin deficiency; Familial apoceruloplasmin deficiency; Hereditary ceruloplasmin deficiency; Aceruloplasminemia; Deficiency of ceruloplasmin. Identifiers: Orphanet 48818, MedGen C0878682, MONDO:0011426, OMIM 604290, HP:0025498.

Allele frequency attached by ClinVar (database versions not stated): TOPMed 0.00001; gnomAD 0.00003.
gnomAD v4.1: 13 of 1,613,998 alleles (0.00081%); highest among the groups gnomAD compares: Admixed American, 0.0067%; no homozygotes.

Submissions (2):

Ambry Genetics
Classification: Uncertain significance for Inborn genetic diseases. Last evaluated: 2025-08-04. Review status: criteria provided, single submitter. Criteria: Ambry Variant Classification Scheme 2023. Collection method: clinical testing. Allele origin: germline.

Labcorp Genetics (formerly Invitae), Labcorp
Classification: Uncertain significance for Deficiency of ferroxidase. Last evaluated: 2022-11-29. Review status: criteria provided, single submitter. Criteria: Invitae Variant Classification Sherloc (09022015). Collection method: clinical testing. Allele origin: germline.
Comment: This variant has not been reported in the literature in individuals affected with CP-related conditions. This variant is present in population databases (rs749923683, gnomAD 0.004%). This sequence change replaces proline, which is neutral and non-polar, with threonine, which is neutral and polar, at codon 472 of the CP protein (p.Pro472Thr). ClinVar contains an entry for this variant (Variation ID: 644684). In summary, the available evidence is currently insufficient to determine the role of this variant in disease. Therefore, it has been classified as a Variant of Uncertain Significance. Advanced modeling of protein sequence and biophysical properties (such as structural, functional, and spatial information, amino acid conservation, physicochemical variation, residue mobility, and thermodynamic stability) performed at Invitae indicates that this missense variant is not expected to disrupt CP protein function.

NM_000096.4(CP):c.1414C>A (p.Pro472Thr)

Gene: CP (ceruloplasmin; minus strand). Cytogenetic location: 3q24.
Variant type: single nucleotide variant.
Coding change: c.1414C>A on transcript NM_000096.4 (MANE Select); coding-DNA position 1414, C replaced by A.
Protein change: p.Pro472Thr; replaces proline 472 with threonine.
Molecular consequence: missense variant. On other transcripts: non-coding transcript variant (1).
Genome position (GRCh38, 1-based): chr3:149,199,799, G>T on the plus strand (C>A on the coding strand, the complement: CP is on the minus strand). VCF-style: chr3-149199799-G-T. GRCh37 (hg19) VCF-style: chr3-148917586-G-T.
Other names: short protein forms P472T.
Identifiers: ClinVar variation 644684 (VCV000644684.5), dbSNP rs749923683, ClinGen allele CA2661026.